The following is an entry in ClinVar:

ClinVar aggregate classification (germline): Uncertain significance (1 of 4 stars; one submission).

Conditions:
Gamma-aminobutyric acid transaminase deficiency (GABATD). Also called: GABA transaminase deficiency; Gamma aminobutyrate transaminase deficiency; 4 alpha aminobutyrate transaminase deficiency; GABA aminotransaminase deficiency. Identifiers: Orphanet 2066, MedGen C0342708, MONDO:0013166, OMIM 613163.

gnomAD v4.1: 3 of 1,614,126 alleles (0.00019%); highest among the groups gnomAD compares: Admixed American, 0.005%; no homozygotes.

Submission:

Labcorp Genetics (formerly Invitae), Labcorp
Classification: Uncertain significance for Gamma-aminobutyric acid transaminase deficiency. Last evaluated: 2022-07-12. Review status: criteria provided, single submitter. Criteria: Invitae Variant Classification Sherloc (09022015). Collection method: clinical testing. Allele origin: germline.
Comment: This sequence change replaces glycine, which is neutral and non-polar, with alanine, which is neutral and non-polar, at codon 188 of the ABAT protein (p.Gly188Ala). This variant is present in population databases (no rsID available, gnomAD 0.006%). This variant has not been reported in the literature in individuals affected with ABAT-related conditions. Algorithms developed to predict the effect of missense changes on protein structure and function output the following: SIFT: "Tolerated"; PolyPhen-2: "Benign"; Align-GVGD: "Class C0". The alanine amino acid residue is found in multiple mammalian species, which suggests that this missense change does not adversely affect protein function. In summary, the available evidence is currently insufficient to determine the role of this variant in disease. Therefore, it has been classified as a Variant of Uncertain Significance.

NM_020686.6(ABAT):c.563G>C (p.Gly188Ala)

Gene: ABAT (4-aminobutyrate aminotransferase; plus strand). Cytogenetic location: 16p13.2.
Variant type: single nucleotide variant.
Coding change: c.563G>C on transcript NM_020686.6 (MANE Select); coding-DNA position 563, G replaced by C.
Protein change: p.Gly188Ala; replaces glycine 188 with alanine.
Molecular consequence: missense variant. On other transcripts: intron variant (4).
Genome position (GRCh38, 1-based): chr16:8,766,230, G>C. VCF-style: chr16-8766230-G-C. GRCh37 (hg19) VCF-style: chr16-8860087-G-C.
Other names: c.563G>C, p.Gly188Ala (NM_000663.5, NM_001127448.2, NM_001386600.1 and 7 more transcripts); c.470G>C, p.Gly157Ala (NM_001386608.1); c.428G>C, p.Gly143Ala (NM_001386610.1, NM_001386611.1); c.317G>C, p.Gly106Ala (NM_001386614.1); c.659G>C, p.Gly220Ala (NM_001386615.1); c.540+1400G>C (NM_001386607.1, NM_001386606.1); c.405+1400G>C (NM_001386612.1, NM_001386613.1); short protein forms G157A, G188A, G143A, G106A, G220A.
Identifiers: ClinVar variation 2042719 (VCV002042719.1), dbSNP rs1344292755, ClinGen allele CA394688581.